The following is an entry in ClinVar:

NM_001034853.2(RPGR):c.1561C>T (p.Gln521Ter)

Gene: RPGR (retinitis pigmentosa GTPase regulator; minus strand). Cytogenetic location: Xp11.4.
Variant type: single nucleotide variant.
Coding change: c.1561C>T on transcript NM_001034853.2 (MANE Select); coding-DNA position 1561, C replaced by T.
Protein change: p.Gln521Ter; replaces glutamine 521 with a stop codon.
Molecular consequence: nonsense. On other transcripts: non-coding transcript variant (6).
Genome position (GRCh38, 1-based): chrX:38,290,970, G>A on the plus strand (C>T on the coding strand, the complement: RPGR is on the minus strand). VCF-style: chrX-38290970-G-A. GRCh37 (hg19) VCF-style: chrX-38150223-G-A.
Other names: NM_001034853.2(RPGR):c.1561C>T; p.Gln521Ter; c.1561C>T (NM_001034853.1); c.1561C>T, p.Gln521Ter (NM_000328.3, NM_001367247.1); c.1558C>T, p.Gln520Ter (NM_001367245.1, NM_001367249.1, NM_001367250.1); c.1375C>T, p.Gln459Ter (NM_001367246.1, NM_001367251.1); c.1591C>T, p.Gln531Ter (NM_001367248.1); short protein forms Q459*, Q520*, Q521*, Q531*.
Identifiers: ClinVar variation 2417518 (VCV002417518.17), dbSNP rs755725531, ClinGen allele CA412737582.

ClinVar aggregate classification (germline): Pathogenic. Review status: reviewed by expert panel (3 of 4 stars). 4 submissions from 4 submitters: Pathogenic (1). 3 of the submissions do not count toward it. Last evaluated 2025-08-03.

Conditions:
RPGR-related retinopathy. Also called: RPGR retinopathy. Identifiers: MedGen CN305589, MONDO:0100437.
Primary ciliary dyskinesia. Also called: Ciliary dyskinesia. Identifiers: Orphanet 244, MedGen C0008780, MONDO:0016575, HP:0012265.
Retinal dystrophy. Also called: Inherited retinal dystrophy. Identifiers: Orphanet 71862, MedGen C0854723, MeSH D058499, MONDO:0019118, HP:0000556.

Submissions (4):

ClinGen X-linked Inherited Retinal Disease Variant Curation Expert Panel, ClinGen
Classification: Pathogenic for RPGR-related retinopathy. Last evaluated: 2025-08-03. Review status: reviewed by expert panel. Criteria: ClinGen X LinkedIRD ACMG Specifications RPGR V1.0.0. Collection method: curation. Allele origin: germline. Inheritance: X-linked inheritance.
Comment: NM_001034853.2(RPGR):c.1561C>T (p.Gln521Ter) is a nonsense variant that substitutes a premature stop codon for amino acid 521 within exon 13 of 15 that is predicted to trigger nonsense-mediated decay (PVS1). This variant is absent from gnomAD v4.1.0 (PM2_Supporting). The variant has been reported to segregate with retinal dystrophy through an affected mother and son from 1 family (PP1; PMID: 34745198). At least one proband harboring this variant exhibits a phenotype including family history consistent with X-linked inheritance (2 pts) with a female showing milder phenotype, childhood-onset (1 pt), night blindness (0.5 pts), reduced visual acuity (0.5 pts), myopia (0.5 pts), and genetic testing by exome sequencing finding no alternative explanation for retinal disease (2 pts), however no electroretinogram results were reported, so the PP4 code was not met (7.5 points, PMID: 34745198). In summary, this variant is classified as pathogenic for RPGR-related retinopathy based on the ClinGen X-linked Inherited Retinal Disease Expert Panel Specifications to the ACMG/AMP Variant Interpretation Guidelines for RPGR Version 1.0.0; PVS1, PM2_Supporting, and PP1. (date of approval 05/16/2025).

Labcorp Genetics (formerly Invitae), Labcorp
Classification: Pathogenic for Primary ciliary dyskinesia. Last evaluated: 2025-09-02. Review status: criteria provided, single submitter. Criteria: Invitae Variant Classification Sherloc (09022015). Collection method: clinical testing. Allele origin: germline. Not counted in ClinVar's aggregate classification.
Comment: This sequence change creates a premature translational stop signal (p.Gln521*) in the RPGR gene. It is expected to result in an absent or disrupted protein product. Loss-of-function variants in RPGR are known to be pathogenic (PMID: 16055928, 16969763). This variant is not present in population databases (gnomAD no frequency). This variant has not been reported in the literature in individuals affected with RPGR-related conditions. ClinVar contains an entry for this variant (Variation ID: 2417518). For these reasons, this variant has been classified as Pathogenic.

Dept Of Ophthalmology, Nagoya University
Classification: Likely pathogenic for Retinal dystrophy. Last evaluated: 2023-10-01. Review status: criteria provided, single submitter. Criteria: Submitter's publication. Collection method: research. Allele origin: germline. Affected: yes. Not counted in ClinVar's aggregate classification.

PreventionGenetics, part of Exact Sciences
Classification: Pathogenic. Last evaluated: 2022-12-01. Review status: criteria provided, single submitter. Criteria: ACMG Guidelines, 2015. Collection method: clinical testing. Allele origin: germline. Not counted in ClinVar's aggregate classification.

Literature cited by the submitters: PubMed 16055928 (cited by Labcorp Genetics (formerly Invitae), Labcorp); PubMed 16969763 (cited by Labcorp Genetics (formerly Invitae), Labcorp).